The following is an entry in ClinVar:

NM_012079.6(DGAT1):c.579C>T (p.Gly193=)

Gene: DGAT1 (diacylglycerol O-acyltransferase 1; minus strand). Cytogenetic location: 8q24.3.
Variant type: single nucleotide variant.
Coding change: c.579C>T on transcript NM_012079.6 (MANE Select); coding-DNA position 579, C replaced by T.
Protein change: p.Gly193=; no amino-acid change (glycine 193 retained).
Molecular consequence: synonymous variant.
Genome position (GRCh38, 1-based): chr8:144,318,358, G>A on the plus strand (C>T on the coding strand, the complement: DGAT1 is on the minus strand). VCF-style: chr8-144318358-G-A. GRCh37 (hg19) VCF-style: chr8-145542021-G-A.
Other names: p.Gly193=.
Identifiers: ClinVar variation 402588 (VCV000402588.14), dbSNP rs56180335, ClinGen allele CA4936956.

ClinVar aggregate classification (germline): Benign. Review status: criteria provided, multiple submitters, no conflicts (2 of 4 stars). 5 submissions from 5 submitters: Benign (5). Last evaluated 2026-02-04.

Allele frequency attached by ClinVar (database versions not stated): 1000 Genomes Project 30x 0.02295; 1000 Genomes Project 0.02336; TOPMed 0.04589; gnomAD 0.04610 and 0.04745; gnomAD exomes 0.04744; ExAC 0.04958; ESP Exome Variant Server 0.05371.

Submissions (5):

Labcorp Genetics (formerly Invitae), Labcorp
Classification: Benign. Last evaluated: 2026-02-04. Review status: criteria provided, single submitter. Criteria: Invitae Variant Classification Sherloc (09022015). Collection method: clinical testing. Allele origin: germline.

Mayo Clinic Laboratories, Mayo Clinic
Classification: Benign. Last evaluated: 2022-09-06. Review status: criteria provided, single submitter. Criteria: ACMG Guidelines, 2015. Collection method: clinical testing. Allele origin: germline. Observed: 10 variant alleles.

GeneDx
Classification: Benign. Last evaluated: 2021-06-09. Review status: criteria provided, single submitter. Criteria: GeneDx Variant Classification Process June 2021. Collection method: clinical testing. Allele origin: germline. Affected: yes.

Laboratory for Molecular Medicine, Mass General Brigham Personalized Medicine
Classification: Benign. Last evaluated: 2016-03-29. Review status: criteria provided, single submitter. Criteria: LMM Criteria. Collection method: clinical testing. Allele origin: germline.
Comment: Variant identified in a genome or exome case(s) and assessed due to predicted null impact of the variant or pathogenic assertions in the literature or databases. Disclaimer: This variant has not undergone full assessment. The following are preliminary notes: Frequency

Breakthrough Genomics
Classification: Benign. Review status: criteria provided, single submitter. Criteria: ACMG Guidelines, 2015. Collection method: not provided. Allele origin: germline. Inheritance: Autosomal recessive inheritance. Affected: yes.